The following is an entry in ClinVar:

NM_000535.7(PMS2):c.766G>T (p.Gly256Cys)

Gene: PMS2 (PMS1 homolog 2, mismatch repair system component; minus strand). Cytogenetic location: 7p22.1.
Variant type: single nucleotide variant.
Coding change: c.766G>T on transcript NM_000535.7 (MANE Select); coding-DNA position 766, G replaced by T.
Protein change: p.Gly256Cys; replaces glycine 256 with cysteine.
Molecular consequence: missense variant. On other transcripts: 5 prime UTR variant (2), non-coding transcript variant (1), intron variant (3).
Genome position (GRCh38, 1-based): chr7:5,997,363, C>A on the plus strand (G>T on the coding strand, the complement: PMS2 is on the minus strand). VCF-style: chr7-5997363-C-A. GRCh37 (hg19) VCF-style: chr7-6036994-C-A.
Other names: c.361G>T, p.Gly121Cys (NM_001322003.2, NM_001322004.2, NM_001322005.2 and 19 more transcripts); c.766G>T, p.Gly256Cys (NM_001322006.2, NM_001322014.2, NM_001406870.1 and 3 more transcripts); c.448G>T, p.Gly150Cys (NM_001322007.2, NM_001322008.2, NM_001406876.1 and 4 more transcripts); c.-168G>T (NM_001322011.2, NM_001322012.2); c.193G>T, p.Gly65Cys (NM_001322013.2, NM_001406909.1); c.457G>T, p.Gly153Cys (NM_001322015.2, NM_001406875.1, NM_001406877.1 and 6 more transcripts); c.952G>T, p.Gly318Cys (NM_001406866.1); c.790G>T, p.Gly264Cys (NM_001406868.1); and 7 more; short protein forms G121C, G144C, G150C, G153C, G200C, G220C, G256C, G264C.
Identifiers: ClinVar variation 3603413 (VCV003603413.2).

ClinVar aggregate classification (germline): Uncertain significance (1 of 4 stars; one submission).

Conditions:
Hereditary nonpolyposis colorectal neoplasms. Identifiers: MedGen C0009405, MeSH D003123.

gnomAD v4.1: 1 of 1,604,098 alleles (0.000062%); highest among the groups gnomAD compares: East Asian, 0.0022%; no homozygotes.

Submission:

Labcorp Genetics (formerly Invitae), Labcorp
Classification: Uncertain significance for Hereditary nonpolyposis colorectal neoplasms. Last evaluated: 2024-10-24. Review status: criteria provided, single submitter. Criteria: Invitae Variant Classification Sherloc (09022015). Collection method: clinical testing. Allele origin: germline.
Comment: This sequence change replaces glycine, which is neutral and non-polar, with cysteine, which is neutral and slightly polar, at codon 256 of the PMS2 protein (p.Gly256Cys). This variant is not present in population databases (gnomAD no frequency). This variant has not been reported in the literature in individuals affected with PMS2-related conditions. Invitae Evidence Modeling incorporating data from in vitro experimental studies (internal data) indicates that this missense variant is not expected to disrupt PMS2 function with a negative predictive value of 95%. In summary, the available evidence is currently insufficient to determine the role of this variant in disease. Therefore, it has been classified as a Variant of Uncertain Significance.